The following is an entry in ClinVar:

NM_170665.4(ATP2A2):c.1494T>C (p.Cys498=)

Gene: ATP2A2 (ATPase sarcoplasmic/endoplasmic reticulum Ca2+ transporting 2; plus strand). Cytogenetic location: 12q24.11.
Variant type: single nucleotide variant.
Coding change: c.1494T>C on transcript NM_170665.4 (MANE Select); coding-DNA position 1494, T replaced by C.
Protein change: p.Cys498=; no amino-acid change (cysteine 498 retained).
Molecular consequence: synonymous variant.
Genome position (GRCh38, 1-based): chr12:110,339,355, T>C. VCF-style: chr12-110339355-T-C. GRCh37 (hg19) VCF-style: chr12-110777160-T-C.
Other names: c.1389T>C, p.Cys463= (NM_001413013.1); c.1494T>C, p.Cys498= (NM_001413014.1, NM_001681.4); c.1119T>C, p.Cys373= (NM_001413015.1).
Identifiers: ClinVar variation 3039727 (VCV003039727.2), dbSNP rs1879138571, ClinGen allele CA481868230.

ClinVar aggregate classification (germline): Likely benign (0 of 4 stars; one submission).

Conditions:
ATP2A2-related disorder. Also called: ATP2A2-related condition; ATP2A2-Related Disorders.

Allele frequency attached by ClinVar (database versions not stated): TOPMed below 0.00001; gnomAD 0.00001.
gnomAD v4.1: 1 of 1,614,038 alleles (0.000062%); highest among the groups gnomAD compares: Non-Finnish European, 0.000085%; no homozygotes.

Submission:

PreventionGenetics, part of Exact Sciences
Classification: Likely benign for ATP2A2-related condition. Last evaluated: 2019-05-23. Review status: no assertion criteria provided. Collection method: clinical testing. Allele origin: germline.
Comment: This variant is classified as likely benign based on ACMG/AMP sequence variant interpretation guidelines (Richards et al. 2015 PMID: 25741868, with internal and published modifications).